The following is an entry in ClinVar:

ClinVar aggregate classification (germline): Uncertain significance (1 of 4 stars; one submission).

Conditions:
Hereditary cancer-predisposing syndrome. Also called: Neoplastic Syndromes, Hereditary; Tumor predisposition; Hereditary Cancer Syndrome; Hereditary neoplastic syndrome. Identifiers: Orphanet 140162, MedGen C0027672, MeSH D009386, MONDO:0015356.

Submission:

Ambry Genetics
Classification: Uncertain significance for Hereditary cancer-predisposing syndrome. Last evaluated: 2025-02-21. Review status: criteria provided, single submitter. Criteria: Ambry Variant Classification Scheme 2023. Collection method: clinical testing. Allele origin: germline.
Comment: The p.A680G variant (also known as c.2039C>G), located in coding exon 15 of the APC gene, results from a C to G substitution at nucleotide position 2039. The alanine at codon 680 is replaced by glycine, an amino acid with similar properties. This amino acid position is conserved. In addition, in silico predictors for this gene do not accurately predict pathogenicity. Since supporting evidence is limited at this time, the clinical significance of this alteration remains unclear.

NM_000038.6(APC):c.2039C>G (p.Ala680Gly)

Gene: APC (APC regulator of Wnt signaling pathway; plus strand). Cytogenetic location: 5q22.2.
Variant type: single nucleotide variant.
Coding change: c.2039C>G on transcript NM_000038.6 (MANE Select); coding-DNA position 2039, C replaced by G.
Protein change: p.Ala680Gly; replaces alanine 680 with glycine.
Molecular consequence: missense variant.
Genome position (GRCh38, 1-based): chr5:112,837,633, C>G. VCF-style: chr5-112837633-C-G. GRCh37 (hg19) VCF-style: chr5-112173330-C-G.
Other names: c.2039C>G, p.Ala680Gly (NM_001127510.3, NM_001354895.2, NM_001407450.1); c.1985C>G, p.Ala662Gly (NM_001127511.3); c.2093C>G, p.Ala698Gly (NM_001354896.2, NM_001407447.1, NM_001407448.1 and 1 more transcripts); c.2069C>G, p.Ala690Gly (NM_001354897.2); c.1964C>G, p.Ala655Gly (NM_001354898.2); c.1955C>G, p.Ala652Gly (NM_001354899.2); c.1916C>G, p.Ala639Gly (NM_001354900.2); c.1862C>G, p.Ala621Gly (NM_001354901.2, NM_001407453.1); and 11 more; short protein forms A296G, A579G, A597G, A621G, A652G, A655G, A708G, A397G.
Identifiers: ClinVar variation 1784856 (VCV001784856.3), dbSNP rs2149859282, ClinGen allele CA16025780.